The following is an entry in ClinVar:

NM_019109.5(ALG1):c.494G>C (p.Gly165Ala)

Gene: ALG1 (ALG1 chitobiosyldiphosphodolichol beta-mannosyltransferase; plus strand). Cytogenetic location: 16p13.3.
Variant type: single nucleotide variant.
Coding change: c.494G>C on transcript NM_019109.5 (MANE Select); coding-DNA position 494, G replaced by C.
Protein change: p.Gly165Ala; replaces glycine 165 with alanine.
Molecular consequence: missense variant.
Genome position (GRCh38, 1-based): chr16:5,075,491, G>C. VCF-style: chr16-5075491-G-C. GRCh37 (hg19) VCF-style: chr16-5125492-G-C.
Other names: c.161G>C, p.Gly54Ala (NM_001330504.2); short protein forms G165A, G54A.
Identifiers: ClinVar variation 2175495 (VCV002175495.1), dbSNP rs777348829, ClinGen allele CA7889844.

ClinVar aggregate classification (germline): Uncertain significance (1 of 4 stars; one submission).

Conditions:
ALG1-congenital disorder of glycosylation. Also called: ALG1-CDG; CONGENITAL DISORDER OF GLYCOSYLATION, TYPE Ik; CDG Ik. Identifiers: Orphanet 79327, MedGen C2931005, MONDO:0012052, OMIM 608540.

Allele frequency attached by ClinVar (database versions not stated): gnomAD 0.00001.

Submission:

Labcorp Genetics (formerly Invitae), Labcorp
Classification: Uncertain significance for ALG1-congenital disorder of glycosylation. Last evaluated: 2022-02-22. Review status: criteria provided, single submitter. Criteria: Invitae Variant Classification Sherloc (09022015). Collection method: clinical testing. Allele origin: germline.
Comment: This sequence change replaces glycine, which is neutral and non-polar, with alanine, which is neutral and non-polar, at codon 165 of the ALG1 protein (p.Gly165Ala). This variant is present in population databases (rs777348829, gnomAD 0.04%). This variant has not been reported in the literature in individuals affected with ALG1-related conditions. Advanced modeling of protein sequence and biophysical properties (such as structural, functional, and spatial information, amino acid conservation, physicochemical variation, residue mobility, and thermodynamic stability) performed at Invitae indicates that this missense variant is not expected to disrupt ALG1 protein function. In summary, the available evidence is currently insufficient to determine the role of this variant in disease. Therefore, it has been classified as a Variant of Uncertain Significance.